The following is an entry in ClinVar:

ClinVar aggregate classification (germline): Uncertain significance (1 of 4 stars; one submission).

Conditions:
Frontotemporal dementia and/or amyotrophic lateral sclerosis 1 (FTDALS1). Also called: C9orf72 Frontotemporal Dementia and/or Amyotrophic Lateral Sclerosis; Frontotemporal dementia with motor neuron disease 1. Identifiers: Orphanet 275872, MedGen C5779877, MONDO:0007105, OMIM 105550.
Paget disease of bone 2, early-onset (PDB2). Also called: Paget disease of bone 2. Identifiers: MedGen C4085251, MONDO:0011183, OMIM 602080.

gnomAD v4.1: 1 of 1,612,858 alleles (0.000062%); highest among the groups gnomAD compares: Non-Finnish European, 0.000085%; no homozygotes.

Submission:

Labcorp Genetics (formerly Invitae), Labcorp
Classification: Uncertain significance for Paget disease of bone 2, early-onset; Frontotemporal dementia and/or amyotrophic lateral sclerosis 1. Last evaluated: 2021-11-06. Review status: criteria provided, single submitter. Criteria: Invitae Variant Classification Sherloc (09022015). Collection method: clinical testing. Allele origin: germline.
Comment: This variant has not been reported in the literature in individuals affected with SQSTM1-related conditions. This variant is not present in population databases (gnomAD no frequency). This sequence change falls in intron 4 of the SQSTM1 gene. It does not directly change the encoded amino acid sequence of the SQSTM1 protein. In summary, the available evidence is currently insufficient to determine the role of this variant in disease. Therefore, it has been classified as a Variant of Uncertain Significance. Algorithms developed to predict the effect of sequence changes on RNA splicing suggest that this variant may create or strengthen a splice site.

NM_003900.5(SQSTM1):c.674-18T>G

Gene: SQSTM1 (sequestosome 1; plus strand). Cytogenetic location: 5q35.3.
Variant type: single nucleotide variant.
Coding change: c.674-18T>G on transcript NM_003900.5 (MANE Select); 18 bases into the intron before coding-DNA position 674, T replaced by G.
Molecular consequence: intron variant.
Genome position (GRCh38, 1-based): chr5:179,825,128, T>G. VCF-style: chr5-179825128-T-G. GRCh37 (hg19) VCF-style: chr5-179252128-T-G.
Other names: c.422-18T>G (NM_001142298.2, NM_001142299.2).
Identifiers: ClinVar variation 1391621 (VCV001391621.6), dbSNP rs1317780724, ClinGen allele CA2573139498.